The following is an entry in ClinVar:

NM_000388.4(CASR):c.2669G>A (p.Arg890His)

Gene: CASR (calcium sensing receptor; plus strand). Cytogenetic location: 3q21.1.
Variant type: single nucleotide variant.
Coding change: c.2669G>A on transcript NM_000388.4 (MANE Select); coding-DNA position 2669, G replaced by A.
Protein change: p.Arg890His; replaces arginine 890 with histidine.
Molecular consequence: missense variant.
Genome position (GRCh38, 1-based): chr3:122,284,623, G>A. VCF-style: chr3-122284623-G-A. GRCh37 (hg19) VCF-style: chr3-122003470-G-A.
Other names: c.2699G>A, p.Arg900His (NM_001178065.2); short protein forms R890H, R900H.
Identifiers: ClinVar variation 410328 (VCV000410328.19), dbSNP rs567996888, ClinGen allele CA2569842.
Genomic context (GRCh38, chr3:122,284,623, plus strand): 5'-AGGAGGTGCGTTGCAGCACCGCAGCTCACGCTTTCAAGGTGGCTGCCCGGGCCACGCTGC[G>A]CCGCAGCAACGTCTCCCGCAAGCGGTCCAGCAGCCTTGGAGGCTCCACGGGATCCACCCC-3'
Protein context (NP_000379.3, residues 880-900): AFKVAARATL[Arg890His]RSNVSRKRSS

ClinVar aggregate classification (germline): Uncertain significance. Review status: criteria provided, multiple submitters, no conflicts (2 of 4 stars). 4 submissions from 4 submitters: Uncertain significance (4). Last evaluated 2025-03-03.

Conditions:
Nephrolithiasis/nephrocalcinosis. Identifiers: MedGen CN580796.
Autosomal dominant hypocalcemia 1 (HYPOC1). Also called: HYPOCALCEMIA, FAMILIAL. Identifiers: MedGen C3715128, MONDO:0011013, OMIM 601198.
Familial hypocalciuric hypercalcemia (FHH). Also called: Familial benign hypercalcemia. Identifiers: Orphanet 405, MedGen C1809471, MONDO:0018458.
Epilepsy, idiopathic generalized, susceptibility to, 8. Identifiers: MedGen C2752062, MONDO:0013032, OMIM 612899.
Neonatal severe primary hyperparathyroidism. Identifiers: Orphanet 417, MedGen C1832615, MONDO:0009397, OMIM 239200.
Familial hypocalciuric hypercalcemia 1. Also called: Hypercalcemia, familial benign type 1. Identifiers: Orphanet 405, Orphanet 93372, MedGen C0342637, MONDO:0007791, OMIM 145980.

Allele frequency attached by ClinVar (database versions not stated): ExAC 0.00001; gnomAD exomes 0.00001; gnomAD 0.00002 and 0.00003; TOPMed 0.00002; 1000 Genomes Project 30x 0.00016; 1000 Genomes Project 0.00020.
gnomAD v4.1: 18 of 1,614,028 alleles (0.0011%); highest among the groups gnomAD compares: East Asian, 0.0089%; no homozygotes.

Submissions (4):

Labcorp Genetics (formerly Invitae), Labcorp
Classification: Uncertain significance for Familial hypocalciuric hypercalcemia; Autosomal dominant hypocalcemia 1. Last evaluated: 2025-03-03. Review status: criteria provided, single submitter. Criteria: Invitae Variant Classification Sherloc (09022015). Collection method: clinical testing. Allele origin: germline.
Comment: This sequence change replaces arginine, which is basic and polar, with histidine, which is basic and polar, at codon 890 of the CASR protein (p.Arg890His). This variant is present in population databases (rs567996888, gnomAD 0.007%). This variant has not been reported in the literature in individuals affected with CASR-related conditions. ClinVar contains an entry for this variant (Variation ID: 410328). An algorithm developed to predict the effect of missense changes on protein structure and function (PolyPhen-2) suggests that this variant is likely to be disruptive. In summary, the available evidence is currently insufficient to determine the role of this variant in disease. Therefore, it has been classified as a Variant of Uncertain Significance.

Ambry Genetics
Classification: Uncertain significance for Nephrolithiasis/nephrocalcinosis. Last evaluated: 2024-02-09. Review status: criteria provided, single submitter. Criteria: Ambry Variant Classification Scheme 2023. Collection method: clinical testing. Allele origin: germline.
Comment: The p.R890H variant (also known as c.2669G>A), located in coding exon 6 of the CASR gene, results from a G to A substitution at nucleotide position 2669. The arginine at codon 890 is replaced by histidine, an amino acid with highly similar properties. This amino acid position is conserved. In addition, the in silico prediction for this alteration is inconclusive. In addition, the evidence for the gene-disease relationship is limited for pancreatitis and cancer predisposition; therefore, the clinical significance of this variant for CASR-related pancreatitis and cancer predisposition is unclear. Since supporting evidence is limited at this time, the clinical significance of this alteration remains unclear.

Blueprint Genetics
Classification: Uncertain significance. Last evaluated: 2024-01-16. Review status: criteria provided, single submitter. Criteria: ACMG Guidelines, 2015. Collection method: clinical testing. Allele origin: germline.

Fulgent Genetics
Classification: Uncertain significance for Familial hypocalciuric hypercalcemia 1; Neonatal severe primary hyperparathyroidism; Autosomal dominant hypocalcemia 1; Epilepsy, idiopathic generalized, susceptibility to, 8. Last evaluated: 2021-08-25. Review status: criteria provided, single submitter. Criteria: ACMG Guidelines, 2015. Collection method: clinical testing. Allele origin: unknown.